The following is an entry in ClinVar:

ClinVar aggregate classification (germline): Uncertain significance (1 of 4 stars; one submission).

Conditions:
CHARGE syndrome (CHARGE). Also called: Hittner Hirsch Kreh syndrome; CHARGE ASSOCIATION--COLOBOMA, HEART ANOMALY, CHOANAL ATRESIA, RETARDATION, GENITAL AND EAR ANOMALIES; Coloboma, heart anomaly, choanal atresia, retardation, genital and ear anomalies; CHARGE association; Hall-Hittner syndrome. Identifiers: Orphanet 138, MedGen C0265354, MONDO:0008965.

Submission:

Labcorp Genetics (formerly Invitae), Labcorp
Classification: Uncertain significance for CHARGE syndrome. Last evaluated: 2025-02-20. Review status: criteria provided, single submitter. Criteria: Invitae Variant Classification Sherloc (09022015). Collection method: clinical testing. Allele origin: germline.
Comment: This sequence change replaces glutamic acid, which is acidic and polar, with lysine, which is basic and polar, at codon 682 of the CHD7 protein (p.Glu682Lys). This variant is not present in population databases (gnomAD no frequency). This variant has not been reported in the literature in individuals affected with CHD7-related conditions. Invitae Evidence Modeling of protein sequence and biophysical properties (such as structural, functional, and spatial information, amino acid conservation, physicochemical variation, residue mobility, and thermodynamic stability) indicates that this missense variant is not expected to disrupt CHD7 protein function with a negative predictive value of 95%. In summary, the available evidence is currently insufficient to determine the role of this variant in disease. Therefore, it has been classified as a Variant of Uncertain Significance.

NM_017780.4(CHD7):c.2044G>A (p.Glu682Lys)

Genes: CHD7 (chromodomain helicase DNA binding protein 7; plus strand), LOC126860403 (CDK7 strongly-dependent group 2 enhancer GRCh37_chr8:61693034-61694233; plus strand). Cytogenetic location: 8q12.2.
Variant type: single nucleotide variant.
Coding change: c.2044G>A on transcript NM_017780.4 (MANE Select); coding-DNA position 2044, G replaced by A.
Protein change: p.Glu682Lys; replaces glutamic acid 682 with lysine.
Molecular consequence: missense variant. On other transcripts: intron variant (1).
Genome position (GRCh38, 1-based): chr8:60,781,378, G>A. VCF-style: chr8-60781378-G-A. GRCh37 (hg19) VCF-style: chr8-61693937-G-A.
Other names: c.1716+328G>A (NM_001316690.1); short protein forms E682K.
Identifiers: ClinVar variation 4746284 (VCV004746284.1).